The following is an entry in ClinVar:

NM_024408.4(NOTCH2):c.7276_7278dup (p.Ser2429_Pro2430insSer)

Gene: NOTCH2 (notch receptor 2; minus strand). Cytogenetic location: 1p12.
Variant type: Duplication.
Coding change: c.7276_7278dup on transcript NM_024408.4 (MANE Select); coding-DNA positions 7276 to 7278, 3 bases duplicated (TCA; older notation c.7276_7278dupTCA).
Protein change: p.Ser2429_Pro2430insSer.
Genome position (GRCh38, 1-based): chr1:119,915,444-119,915,446, TGA duplicated on the plus strand (TCA on the coding strand, the reverse complement: NOTCH2 is on the minus strand). VCF-style (leftmost placement, unchanged base first): chr1-119915443-T-TTGA. GRCh37 (hg19) VCF-style: chr1-120458066-T-TTGA.
Identifiers: ClinVar variation 3777338 (VCV003777338.1).
Genomic context (GRCh38, chr1:119,915,443, plus strand): 5'-CCCCAGGGGTAGGGCTGGTGGTCACATCTGACCAGTCAGAAGCAGAGTGGGGTGATGAAC[T>TTGA]TGACCACTGGTCAGGAGACTCTGGGGATGGTGTCAGGTAGGGATGCTCACCCTGGAGGTG-3'

ClinVar aggregate classification (germline): Uncertain significance (1 of 4 stars; one submission).

Submission:

GeneDx
Classification: Uncertain significance. Last evaluated: 2024-10-07. Review status: criteria provided, single submitter. Criteria: GeneDx Variant Classification Process June 2021. Collection method: clinical testing. Allele origin: germline. Affected: yes.
Comment: Not observed at significant frequency in large population cohorts (gnomAD); In-frame duplication of 1 amino acid in a non-repeat region; Has not been previously published as pathogenic or benign to our knowledge